The following is an entry in ClinVar:

NM_000138.5(FBN1):c.974G>C (p.Gly325Ala)

Gene: FBN1 (fibrillin 1; minus strand). Cytogenetic location: 15q21.1.
Variant type: single nucleotide variant.
Coding change: c.974G>C on transcript NM_000138.5 (MANE Select); coding-DNA position 974, G replaced by C.
Protein change: p.Gly325Ala; replaces glycine 325 with alanine.
Molecular consequence: missense variant.
Genome position (GRCh38, 1-based): chr15:48,526,144, C>G on the plus strand (G>C on the coding strand, the complement: FBN1 is on the minus strand). VCF-style: chr15-48526144-C-G. GRCh37 (hg19) VCF-style: chr15-48818341-C-G.
Other names: c.974G>C, p.Gly325Ala (NM_001406716.1); short protein forms G325A.
Identifiers: ClinVar variation 3073824 (VCV003073824.2), dbSNP rs768514422, ClinGen allele CA060453.

ClinVar aggregate classification (germline): Uncertain significance. Review status: criteria provided, multiple submitters, no conflicts (2 of 4 stars). 2 submissions from 2 submitters: Uncertain significance (2). Last evaluated 2025-12-31.

Conditions:
Marfan syndrome (MFS). Also called: MARFAN SYNDROME, TYPE I; Marfan syndrome type 1; Marfan's syndrome; Marfan syndrome, classic; FBN1-Related Marfan Syndrome. Identifiers: Orphanet 284963, Orphanet 558, MedGen C0024796, MONDO:0007947, OMIM 154700.

Allele frequency attached by ClinVar (database versions not stated): TOPMed 0.00001; ExAC 0.00001; gnomAD 0.00001.
gnomAD v4.1: 1 of 1,614,000 alleles (0.000062%); highest among the groups gnomAD compares: African/African-American, 0.0013%; no homozygotes.

Submissions (2):

Women's Health and Genetics/Laboratory Corporation of America, LabCorp
Classification: Uncertain significance. Last evaluated: 2025-12-31. Review status: criteria provided, single submitter. Criteria: LabCorp Variant Classification Summary - May 2015. Collection method: clinical testing. Allele origin: germline.
Comment: Variant summary: FBN1 c.974G>C (p.Gly325Ala) results in a non-conservative amino acid change in the encoded protein sequence. Algorithms developed to predict the effect of missense changes on protein structure and function all suggest that this variant is likely to be disruptive. The variant allele was found at a frequency of 4e-06 in 251406 control chromosomes. The available data on variant occurrences in the general population are insufficient to allow any conclusion about variant significance. To our knowledge, no occurrence of c.974G>C in individuals affected with FBN1-related conditions and no experimental evidence demonstrating its impact on protein function have been reported. ClinVar contains an entry for this variant (Variation ID: 3073824). Based on the evidence outlined above, the variant was classified as uncertain significance.

All of Us Research Program, National Institutes of Health
Classification: Uncertain significance for Marfan syndrome. Last evaluated: 2023-10-06. Review status: criteria provided, single submitter. Criteria: ACMG Guidelines, 2015. Collection method: clinical testing. Allele origin: germline. Inheritance: Autosomal dominant inheritance. Observed: 1 variant allele, 1 heterozygote.
Comment: This variant replaces glycine with alanine at codon 325 in the FBN1 protein. Computational prediction suggests that this variant may have deleterious impact on protein structure and function (internally defined REVEL score threshold >= 0.7, PMID: 27666373). To our knowledge, functional studies have not been reported for this variant. This variant has not been reported in individuals affected with FBN1-related disorders in the literature. This variant has been identified in 1/251406 chromosomes in the general population by the Genome Aggregation Database (gnomAD). The available evidence is insufficient to determine the role of this variant in disease conclusively. Therefore, this variant is classified as a Variant of Uncertain Significance.

This study involves interpretation of variants in research participants for the purpose of population health screening. Participant phenotype was not available at the time of variant classification. Additional details can be found in publication PMID: 35346344, PMCID: PMC8962531